The following is an entry in ClinVar:

ClinVar aggregate classification (germline): Uncertain significance (1 of 4 stars; one submission).

Conditions:
21-Hydroxylase-Deficient Congenital Adrenal Hyperplasia. Also called: ADRENAL HYPERPLASIA III; ADRENAL HYPERPLASIA, CONGENITAL, DUE TO 21-HYDROXYLASE DEFICIENCY. Identifiers: MedGen C2936858, OMIM 201910.

Submission:

Hema, HEMA – Genetic and Molecular Diagnostic Laboratory
Classification: Uncertain significance for 21-Hydroxylase-Deficient Congenital Adrenal Hyperplasia. Last evaluated: 2026-09-07. Review status: criteria provided, single submitter. Criteria: HEMA Variant Classification Assertion Criteria. Collection method: clinical testing. Allele origin: germline.
Comment: The c.914T>G p.(Val305Gly) variant is a transversion from thymine to guanine, resulting in the substitution of valine 305 by glycine. PM2_Supporting: Absent in gnomAD. PM5: Missense variant at an amino acid where another amino acid change (Val305Met) is classified as pathogenic. PP3: The computational metapredictor REVEL score = 0.677 ≥ 0.644, indicating that the variant would affect the function of the 21-hydroxylase protein.

NM_000500.9(CYP21A2):c.914T>G (p.Val305Gly)

Genes: CYP21A2 (cytochrome P450 family 21 subfamily A member 2; plus strand), LOC106780800 (CYP21A2 recombination region; plus strand). Cytogenetic location: 6p21.33.
Variant type: single nucleotide variant.
Coding change: c.914T>G on transcript NM_000500.9 (MANE Select); coding-DNA position 914, T replaced by G.
Protein change: p.Val305Gly; replaces valine 305 with glycine.
Molecular consequence: missense variant.
Genome position (GRCh38, 1-based): chr6:32,040,180, T>G. VCF-style: chr6-32040180-T-G. GRCh37 (hg19) VCF-style: chr6-32007957-T-G.
Other names: c.824T>G, p.Val275Gly (NM_001128590.4); c.509T>G, p.Val170Gly (NM_001368143.2, NM_001368144.2); short protein forms V170G, V275G, V305G.
Identifiers: ClinVar variation 5042623 (VCV005042623.1).